The following is an entry in ClinVar:

ClinVar aggregate classification (germline): Pathogenic (1 of 4 stars; one submission).

Conditions:
H syndrome. Also called: Pigmented hypertrichosis and insulin-dependent diabetes mellitus; Asrar Facharzt Haque syndrome; Histiocytosis with joint contractures and sensorineural deafness; FAISALABAD HISTIOCYTOSIS; HISTIOCYTOSIS AND LYMPHADENOPATHY WITH OR WITHOUT CUTANEOUS, CARDIAC, AND/OR ENDOCRINE FEATURES, JOINT CONTRACTURES, AND/OR DEAFNESS; HYPERPIGMENTATION, CUTANEOUS, WITH HYPERTRICHOSIS, HEPATOSPLENOMEGALY, HEART ANOMALIES, AND HYPOGONADISM WITH OR WITHOUT HEARING LOSS. Identifiers: Orphanet 168569, MedGen C1864445, MONDO:0011273, OMIM 602782.

Submission:

Labcorp Genetics (formerly Invitae), Labcorp
Classification: Pathogenic for H syndrome. Last evaluated: 2020-02-05. Review status: criteria provided, single submitter. Criteria: Invitae Variant Classification Sherloc (09022015). Collection method: clinical testing. Allele origin: germline.
Comment: This variant is a gross deletion of the genomic region encompassing exon 1 of the SLC29A3 gene, which includes the initiator codon. The 5' end of this event is unknown as it extends beyond the assayed region for this gene and therefore may encompass additional genes. The 3' boundary is likely confined to intron 1 of the SLC29A3 gene. This is expected to result in an absent or disrupted protein product. This variant has not been reported in the literature in individuals with SLC29A3-related conditions. Loss-of-function variants in SLC29A3 are known to be pathogenic (PMID: 19336477, 20595384, 23406517, 25963354). For these reasons, this variant has been classified as Pathogenic.

Literature cited by the submitters: PubMed 19336477; PubMed 20595384; PubMed 23406517; PubMed 25963354.

NC_000010.10:g.(?_73079047)_(73079087_?)del

Gene: SLC29A3 (solute carrier family 29 member 3; plus strand). Cytogenetic location: 10q22.1.
Variant type: Deletion.
Identifiers: ClinVar variation 1071023 (VCV001071023.4).